The following is an entry in ClinVar:

ClinVar aggregate classification (germline): Uncertain significance. Review status: criteria provided, multiple submitters, no conflicts (2 of 4 stars). 2 submissions from 2 submitters: Uncertain significance (2). Last evaluated 2025-06-10.

Allele frequency attached by ClinVar (database versions not stated): ExAC 0.00005; ESP Exome Variant Server 0.00008; gnomAD 0.00011; 1000 Genomes Project 30x 0.00016; TOPMed 0.00016; 1000 Genomes Project 0.00020.
gnomAD v4.1: 84 of 1,614,140 alleles (0.0052%); highest among the groups gnomAD compares: African/African-American, 0.053%; no homozygotes.

Submissions (2):

Ambry Genetics
Classification: Uncertain significance. Last evaluated: 2025-06-10. Review status: criteria provided, single submitter. Criteria: Ambry Variant Classification Scheme 2023. Collection method: clinical testing. Allele origin: germline.

Labcorp Genetics (formerly Invitae), Labcorp
Classification: Uncertain significance. Last evaluated: 2023-10-08. Review status: criteria provided, single submitter. Criteria: Invitae Variant Classification Sherloc (09022015). Collection method: clinical testing. Allele origin: germline.
Comment: This sequence change replaces phenylalanine, which is neutral and non-polar, with leucine, which is neutral and non-polar, at codon 925 of the ATP2B4 protein (p.Phe925Leu). This variant is present in population databases (rs112149038, gnomAD 0.02%). This variant has not been reported in the literature in individuals affected with ATP2B4-related conditions. Advanced modeling of protein sequence and biophysical properties (such as structural, functional, and spatial information, amino acid conservation, physicochemical variation, residue mobility, and thermodynamic stability) performed at Invitae indicates that this missense variant is not expected to disrupt ATP2B4 protein function. In summary, the available evidence is currently insufficient to determine the role of this variant in disease. Therefore, it has been classified as a Variant of Uncertain Significance.

NM_001684.5(ATP2B4):c.2775C>G (p.Phe925Leu)

Gene: ATP2B4 (ATPase plasma membrane Ca2+ transporting 4; plus strand). Cytogenetic location: 1q32.1.
Variant type: single nucleotide variant.
Coding change: c.2775C>G on transcript NM_001684.5 (MANE Select); coding-DNA position 2775, C replaced by G.
Protein change: p.Phe925Leu; replaces phenylalanine 925 with leucine.
Molecular consequence: missense variant.
Genome position (GRCh38, 1-based): chr1:203,721,373, C>G. VCF-style: chr1-203721373-C-G. GRCh37 (hg19) VCF-style: chr1-203690501-C-G.
Other names: c.2775C>G (NM_001684.4); c.2775C>G, p.Phe925Leu (NM_001001396.3, NM_001365783.2, NM_001365784.2); short protein forms F925L.
Identifiers: ClinVar variation 2863536 (VCV002863536.5), dbSNP rs112149038, ClinGen allele CA1341955.